The following is an entry in ClinVar:

NM_012186.3(FOXE3):c.872G>A (p.Gly291Glu)

Genes: FOXE3 (forkhead box E3; plus strand), LINC01389 (long independently transcribed non-coding RNA 1389; minus strand). Cytogenetic location: 1p33.
Variant type: single nucleotide variant.
Coding change: c.872G>A on transcript NM_012186.3 (MANE Select); coding-DNA position 872, G replaced by A.
Protein change: p.Gly291Glu; replaces glycine 291 with glutamic acid.
Molecular consequence: missense variant.
Genome position (GRCh38, 1-based): chr1:47,417,187, G>A. VCF-style: chr1-47417187-G-A. GRCh37 (hg19) VCF-style: chr1-47882859-G-A.
Other names: short protein forms G291E.
Identifiers: ClinVar variation 2563299 (VCV002563299.5), dbSNP rs915299544, ClinGen allele CA22069421.

ClinVar aggregate classification (germline): Uncertain significance. Review status: criteria provided, multiple submitters, no conflicts (2 of 4 stars). 2 submissions from 2 submitters: Uncertain significance (2). Last evaluated 2023-04-24.

Conditions:
Cardiovascular phenotype. Identifiers: MedGen CN230736.
Congenital primary aphakia. Also called: ANTERIOR SEGMENT DYSGENESIS 2; Anterior segment dysgenesis 2, multiple subtypes. Identifiers: Orphanet 83461, MedGen C1853230, MONDO:0012456, OMIM 610256.
Anterior segment dysgenesis. Also called: Ocular anterior segment dysgenesis. Identifiers: Orphanet 88632, MedGen C1862839, MONDO:0019503, HP:0007700.

Allele frequency attached by ClinVar (database versions not stated): gnomAD exomes 0.00001; TOPMed 0.00001.

Submissions (2):

Ambry Genetics
Classification: Uncertain significance for Cardiovascular phenotype. Last evaluated: 2023-04-24. Review status: criteria provided, single submitter. Criteria: Ambry Variant Classification Scheme 2023. Collection method: clinical testing. Allele origin: germline.
Comment: The p.G291E variant (also known as c.872G>A), located in coding exon 1 of the FOXE3 gene, results from a G to A substitution at nucleotide position 872. The glycine at codon 291 is replaced by glutamic acid, an amino acid with similar properties. This amino acid position is conserved. In addition, the in silico prediction for this alteration is inconclusive. Since supporting evidence is limited at this time, the clinical significance of this alteration remains unclear.

Labcorp Genetics (formerly Invitae), Labcorp
Classification: Uncertain significance for Anterior segment dysgenesis; Congenital primary aphakia. Last evaluated: 2023-01-20. Review status: criteria provided, single submitter. Criteria: Invitae Variant Classification Sherloc (09022015). Collection method: clinical testing. Allele origin: germline.
Comment: This sequence change replaces glycine, which is neutral and non-polar, with glutamic acid, which is acidic and polar, at codon 291 of the FOXE3 protein (p.Gly291Glu). This variant is not present in population databases (gnomAD no frequency). This variant has not been reported in the literature in individuals affected with FOXE3-related conditions. Algorithms developed to predict the effect of missense changes on protein structure and function are either unavailable or do not agree on the potential impact of this missense change (SIFT: "Deleterious"; PolyPhen-2: "Probably Damaging"; Align-GVGD: "Class C0"). In summary, the available evidence is currently insufficient to determine the role of this variant in disease. Therefore, it has been classified as a Variant of Uncertain Significance.